The following is an entry in ClinVar:

NM_001805.4(CEBPE):c.392G>A (p.Arg131Gln)

Gene: CEBPE (CCAAT enhancer binding protein epsilon; minus strand). Cytogenetic location: 14q11.2.
Variant type: single nucleotide variant.
Coding change: c.392G>A on transcript NM_001805.4 (MANE Select); coding-DNA position 392, G replaced by A.
Protein change: p.Arg131Gln; replaces arginine 131 with glutamine.
Molecular consequence: missense variant.
Genome position (GRCh38, 1-based): chr14:23,118,700, C>T on the plus strand (G>A on the coding strand, the complement: CEBPE is on the minus strand). VCF-style: chr14-23118700-C-T. GRCh37 (hg19) VCF-style: chr14-23587909-C-T.
Other names: short protein forms R131Q.
Identifiers: ClinVar variation 1026546 (VCV001026546.7), dbSNP rs1363301754, ClinGen allele CA388953144.
Genomic context (GRCh38, chr14:23,118,700, plus strand): 5'-GTCTGCCCACAGTGTGCCACTTGGTACTGCAGGGGATTGTAGCTGCCTCGGCTGGCAGCT[C>T]GGCTGCCCTCTGGCCCCCGGGGCTCCTCCTTCACCGCCACAGCCCTGGGGTCGTAGCTCC-3'
Protein context (NP_001796.2, residues 121-141): KEEPRGPEGS[Arg131Gln]AASRGSYNPL

ClinVar aggregate classification (germline): Uncertain significance (1 of 4 stars; one submission).

Conditions:
Specific granule deficiency. Identifiers: Orphanet 169142, MedGen C0398593, MONDO:0009506.

Allele frequency attached by ClinVar (database versions not stated): gnomAD exomes below 0.00001 and 0.00001; TOPMed below 0.00001.
gnomAD v4.1: 12 of 1,613,298 alleles (0.00074%); highest among the groups gnomAD compares: African/African-American, 0.0053%; no homozygotes.

Submission:

Labcorp Genetics (formerly Invitae), Labcorp
Classification: Uncertain significance for Specific granule deficiency. Last evaluated: 2022-06-29. Review status: criteria provided, single submitter. Criteria: Invitae Variant Classification Sherloc (09022015). Collection method: clinical testing. Allele origin: germline.
Comment: In summary, the available evidence is currently insufficient to determine the role of this variant in disease. Therefore, it has been classified as a Variant of Uncertain Significance. Algorithms developed to predict the effect of missense changes on protein structure and function are either unavailable or do not agree on the potential impact of this missense change (SIFT: "Tolerated"; PolyPhen-2: "Probably Damaging"; Align-GVGD: "Class C0"). ClinVar contains an entry for this variant (Variation ID: 1026546). This variant has not been reported in the literature in individuals affected with CEBPE-related conditions. This variant is present in population databases (no rsID available, gnomAD 0.006%). This sequence change replaces arginine, which is basic and polar, with glutamine, which is neutral and polar, at codon 131 of the CEBPE protein (p.Arg131Gln).